The following is an entry in ClinVar:

NM_000138.5(FBN1):c.6912T>A (p.Asn2304Lys)

Gene: FBN1 (fibrillin 1; minus strand). Cytogenetic location: 15q21.1.
Variant type: single nucleotide variant.
Coding change: c.6912T>A on transcript NM_000138.5 (MANE Select); coding-DNA position 6912, T replaced by A.
Protein change: p.Asn2304Lys; replaces asparagine 2304 with lysine.
Molecular consequence: missense variant.
Genome position (GRCh38, 1-based): chr15:48,428,431, A>T on the plus strand (T>A on the coding strand, the complement: FBN1 is on the minus strand). VCF-style: chr15-48428431-A-T. GRCh37 (hg19) VCF-style: chr15-48720628-A-T.
Other names: c.6912T>A, p.Asn2304Lys (NM_001406716.1); short protein forms N2304K.
Identifiers: ClinVar variation 3893941 (VCV003893941.1).
Genomic context (GRCh38, chr15:48,428,431, plus strand): 5'-GGCGGTAAACCCATCATTACACTCACAGGTGTAGCTCCCACGGGTGTTGAGGCAGCGCCC[A>T]TTCTCACAGATCCCTGGCTTCGTCTGACATTCATTCTCATCTGTTTGATTTTATTGAAGG-3'
Protein context (NP_000129.3, residues 2294-2314): ECQTKPGICE[Asn2304Lys]GRCLNTRGSY

ClinVar aggregate classification (germline): Uncertain significance (1 of 4 stars; one submission).

Conditions:
Familial thoracic aortic aneurysm and aortic dissection (TAAD). Also called: Thoracic aortic aneurysms and dissections. Identifiers: Orphanet 91387, MedGen C4707243, MONDO:0019625.

Submission:

Color Diagnostics, LLC DBA Color Health
Classification: Uncertain significance for Familial thoracic aortic aneurysm and aortic dissection. Last evaluated: 2024-06-12. Review status: criteria provided, single submitter. Criteria: ACMG Guidelines, 2015. Collection method: clinical testing. Allele origin: germline.
Comment: This missense variant replaces asparagine with lysine at codon 2304 of the FBN1 protein. Computational prediction is inconclusive regarding the impact of this variant on protein structure and function (internally defined REVEL score threshold 0.5 < inconclusive < 0.7, PMID: 27666373). To our knowledge, functional studies have not been reported for this variant. This variant has not been reported in individuals affected with FBN1-related disorders in the literature. This variant has not been identified in the general population by the Genome Aggregation Database (gnomAD). The available evidence is insufficient to determine the role of this variant in disease conclusively. Therefore, this variant is classified as a Variant of Uncertain Significance.